The following is an entry in ClinVar:

NM_018136.5(ASPM):c.4655A>G (p.Lys1552Arg)

Gene: ASPM (assembly factor for spindle microtubules; minus strand). Cytogenetic location: 1q31.3.
Variant type: single nucleotide variant.
Coding change: c.4655A>G on transcript NM_018136.5 (MANE Select); coding-DNA position 4655, A replaced by G.
Protein change: p.Lys1552Arg; replaces lysine 1552 with arginine.
Molecular consequence: missense variant. On other transcripts: intron variant (1).
Genome position (GRCh38, 1-based): chr1:197,104,596, T>C on the plus strand (A>G on the coding strand, the complement: ASPM is on the minus strand). VCF-style: chr1-197104596-T-C. GRCh37 (hg19) VCF-style: chr1-197073726-T-C.
Other names: c.4066-8432A>G (NM_001206846.2); short protein forms K1552R.
Identifiers: ClinVar variation 2058710 (VCV002058710.4), dbSNP rs2527304772, ClinGen allele CA344029350.
Genomic context (GRCh38, chr1:197,104,596, plus strand): 5'-ATTCTCCAGTATGACTGAATAACACAAGCAGCTCTAATTTGTCTACATAAATTATGAGCT[T>C]TCAGTCTCCTAAAAGCAGCTTGTAATTGAATGGCTGCAGCTCGTTTCTGCAAATAGTTGG-3'
Protein context (NP_060606.3, residues 1542-1562): IQLQAAFRRL[Lys1552Arg]AHNLCRQIRA

ClinVar aggregate classification (germline): Uncertain significance (1 of 4 stars; one submission).

Allele frequency attached by ClinVar (database versions not stated): gnomAD exomes 0.00001.
gnomAD v4.1: 10 of 1,612,902 alleles (0.00062%); highest among the groups gnomAD compares: Non-Finnish European, 0.00085%; no homozygotes.

Submission:

Labcorp Genetics (formerly Invitae), Labcorp
Classification: Uncertain significance. Last evaluated: 2022-10-17. Review status: criteria provided, single submitter. Criteria: Invitae Variant Classification Sherloc (09022015). Collection method: clinical testing. Allele origin: germline.
Comment: This sequence change replaces lysine, which is basic and polar, with arginine, which is basic and polar, at codon 1552 of the ASPM protein (p.Lys1552Arg). This variant is not present in population databases (gnomAD no frequency). In summary, the available evidence is currently insufficient to determine the role of this variant in disease. Therefore, it has been classified as a Variant of Uncertain Significance. Advanced modeling of protein sequence and biophysical properties (such as structural, functional, and spatial information, amino acid conservation, physicochemical variation, residue mobility, and thermodynamic stability) performed at Invitae indicates that this missense variant is not expected to disrupt ASPM protein function. This variant has not been reported in the literature in individuals affected with ASPM-related conditions.